The following is an entry in ClinVar:

NM_145725.3(TRAF3):c.1435C>T (p.Arg479Cys)

Gene: TRAF3 (TNF receptor associated factor 3; plus strand). Cytogenetic location: 14q32.32.
Variant type: single nucleotide variant.
Coding change: c.1435C>T on transcript NM_145725.3 (MANE Select); coding-DNA position 1435, C replaced by T.
Protein change: p.Arg479Cys; replaces arginine 479 with cysteine.
Molecular consequence: missense variant.
Genome position (GRCh38, 1-based): chr14:102,905,512, C>T. VCF-style: chr14-102905512-C-T. GRCh37 (hg19) VCF-style: chr14-103371849-C-T.
Other names: c.1186C>T, p.Arg396Cys (NM_001199427.2); c.1294C>T, p.Arg432Cys (NM_001385142.1); c.1354C>T, p.Arg452Cys (NM_001385143.1); c.1435C>T, p.Arg479Cys (NM_003300.4); c.1360C>T, p.Arg454Cys (NM_145726.3); short protein forms R396C, R452C, R454C, R432C, R479C.
Identifiers: ClinVar variation 1524377 (VCV001524377.8), dbSNP rs780215702, ClinGen allele CA391076844.

ClinVar aggregate classification (germline): Uncertain significance (1 of 4 stars; one submission).

Conditions:
Immunodeficiency 132A. Also called: Herpes simplex encephalitis, susceptibility to, 3. Identifiers: Orphanet 1930, MedGen C3553868, MONDO:0013920, OMIM 614849.

gnomAD v4.1: 6 of 1,614,016 alleles (0.00037%); highest among the groups gnomAD compares: Non-Finnish European, 0.00051%; no homozygotes.

Submission:

Labcorp Genetics (formerly Invitae), Labcorp
Classification: Uncertain significance for Immunodeficiency 132A. Last evaluated: 2021-02-15. Review status: criteria provided, single submitter. Criteria: Invitae Variant Classification Sherloc (09022015). Collection method: clinical testing. Allele origin: germline.
Comment: In summary, the available evidence is currently insufficient to determine the role of this variant in disease. Therefore, it has been classified as a Variant of Uncertain Significance. This sequence change replaces arginine with cysteine at codon 479 of the TRAF3 protein (p.Arg479Cys). The arginine residue is highly conserved and there is a large physicochemical difference between arginine and cysteine. This variant is not present in population databases (ExAC no frequency). This variant has not been reported in the literature in individuals with TRAF3-related conditions. Algorithms developed to predict the effect of missense changes on protein structure and function are either unavailable or do not agree on the potential impact of this missense change (SIFT: "Deleterious"; PolyPhen-2: "Probably Damaging"; Align-GVGD: "Class C0").